The following is an entry in ClinVar:

ClinVar aggregate classification (germline): Uncertain significance. Review status: criteria provided, multiple submitters, no conflicts (2 of 4 stars). 2 submissions from 2 submitters: Uncertain significance (2). Last evaluated 2024-09-29.

Conditions:
Hereditary cancer-predisposing syndrome. Also called: Hereditary neoplastic syndrome; Tumor predisposition; Neoplastic Syndromes, Hereditary; Hereditary Cancer Syndrome. Identifiers: Orphanet 140162, MedGen C0027672, MeSH D009386, MONDO:0015356.

Allele frequency attached by ClinVar (database versions not stated): gnomAD 0.00001.
gnomAD v4.1: 1 of 1,613,868 alleles (0.000062%); highest among the groups gnomAD compares: African/African-American, 0.0013%; no homozygotes.

Submissions (2):

Labcorp Genetics (formerly Invitae), Labcorp
Classification: Uncertain significance. Last evaluated: 2024-09-29. Review status: criteria provided, single submitter. Criteria: Invitae Variant Classification Sherloc (09022015). Collection method: clinical testing. Allele origin: germline.
Comment: This sequence change replaces serine, which is neutral and polar, with proline, which is neutral and non-polar, at codon 828 of the POLE protein (p.Ser828Pro). This variant is not present in population databases (gnomAD no frequency). This variant has not been reported in the literature in individuals affected with POLE-related conditions. ClinVar contains an entry for this variant (Variation ID: 953880). Invitae Evidence Modeling of protein sequence and biophysical properties (such as structural, functional, and spatial information, amino acid conservation, physicochemical variation, residue mobility, and thermodynamic stability) indicates that this missense variant is expected to disrupt POLE protein function with a positive predictive value of 80%. In summary, the available evidence is currently insufficient to determine the role of this variant in disease. Therefore, it has been classified as a Variant of Uncertain Significance.

Ambry Genetics
Classification: Uncertain significance for Hereditary cancer-predisposing syndrome. Last evaluated: 2022-05-04. Review status: criteria provided, single submitter. Criteria: Ambry Variant Classification Scheme 2023. Collection method: clinical testing. Allele origin: germline.
Comment: The p.S828P variant (also known as c.2482T>C), located in coding exon 22 of the POLE gene, results from a T to C substitution at nucleotide position 2482. The serine at codon 828 is replaced by proline, an amino acid with similar properties. This amino acid position is conserved. In addition, this alteration is predicted to be deleterious by in silico analysis. Since supporting evidence is limited at this time, the clinical significance of this alteration remains unclear.

NM_006231.4(POLE):c.2482T>C (p.Ser828Pro)

Gene: POLE (DNA polymerase epsilon, catalytic subunit; minus strand). Cytogenetic location: 12q24.33.
Variant type: single nucleotide variant.
Coding change: c.2482T>C on transcript NM_006231.4 (MANE Select); coding-DNA position 2482, T replaced by C.
Protein change: p.Ser828Pro; replaces serine 828 with proline.
Molecular consequence: missense variant.
Genome position (GRCh38, 1-based): chr12:132,664,449, A>G on the plus strand (T>C on the coding strand, the complement: POLE is on the minus strand). VCF-style: chr12-132664449-A-G. GRCh37 (hg19) VCF-style: chr12-133241035-A-G.
Other names: short protein forms S828P.
Identifiers: ClinVar variation 953880 (VCV000953880.12), dbSNP rs2042747466, ClinGen allele CA387396628.